The following is an entry in ClinVar:

ClinVar aggregate classification (germline): Uncertain significance (1 of 4 stars; one submission).

Conditions:
Progressive myoclonic epilepsy. Also called: Familial progressive myoclonic epilepsy; Myoclonus epilepsy; Progressive myoclonus epilepsy; Myoclonic Epilepsies, Progressive. Identifiers: Orphanet 308, Orphanet 98261, MedGen C0751778, MONDO:0020074.

Allele frequency attached by ClinVar (database versions not stated): gnomAD exomes 0.00001.
gnomAD v4.1: 2 of 1,549,786 alleles (0.00013%); highest among the groups gnomAD compares: Non-Finnish European, 0.00017%; no homozygotes.

Submission:

Labcorp Genetics (formerly Invitae), Labcorp
Classification: Uncertain significance for Progressive myoclonic epilepsy. Last evaluated: 2023-03-08. Review status: criteria provided, single submitter. Criteria: Invitae Variant Classification Sherloc (09022015). Collection method: clinical testing. Allele origin: germline.
Comment: In summary, the available evidence is currently insufficient to determine the role of this variant in disease. Therefore, it has been classified as a Variant of Uncertain Significance. Algorithms developed to predict the effect of missense changes on protein structure and function output the following: SIFT: "Not Available"; PolyPhen-2: "Benign"; Align-GVGD: "Not Available". The tyrosine amino acid residue is found in multiple mammalian species, which suggests that this missense change does not adversely affect protein function. ClinVar contains an entry for this variant (Variation ID: 1057326). This variant has not been reported in the literature in individuals affected with GOSR2-related conditions. This variant is present in population databases (no rsID available, gnomAD 0.002%). This sequence change replaces phenylalanine, which is neutral and non-polar, with tyrosine, which is neutral and polar, at codon 5 of the GOSR2 protein (p.Phe5Tyr).

NM_004287.5(GOSR2):c.14T>A (p.Phe5Tyr)

Genes: GOSR2 (golgi SNAP receptor complex member 2; plus strand), LRRC37A2 (leucine rich repeat containing 37 member A2). Cytogenetic location: 17q21.32.
Variant type: single nucleotide variant.
Coding change: c.14T>A on transcript NM_004287.5 (MANE Select); coding-DNA position 14, T replaced by A.
Protein change: p.Phe5Tyr; replaces phenylalanine 5 with tyrosine.
Molecular consequence: missense variant. On other transcripts: 5 prime UTR variant (2), non-coding transcript variant (3).
Genome position (GRCh38, 1-based): chr17:46,923,206, T>A. VCF-style: chr17-46923206-T-A. GRCh37 (hg19) VCF-style: chr17-45000572-T-A.
Other names: c.14T>A, p.Phe5Tyr (NM_001012511.3, NM_001321133.2, NM_001330252.2 and 4 more transcripts); c.-89T>A (NM_001321134.2); c.-452T>A (NM_001363851.2); short protein forms F5Y.
Identifiers: ClinVar variation 1057326 (VCV001057326.7), dbSNP rs897281647, ClinGen allele CA291190912.